The following is an entry in ClinVar:

ClinVar aggregate classification (germline): Pathogenic/Likely pathogenic. Review status: criteria provided, multiple submitters, no conflicts (2 of 4 stars). 2 submissions from 2 submitters: Pathogenic (1); Likely pathogenic (1). Last evaluated 2022-01-01.

Conditions:
Osteogenesis imperfecta, perinatal lethal (OI2). Also called: Osteogenesis imperfecta type 2; Osteogenesis imperfecta, dominant perinatal lethal; OSTEOGENESIS IMPERFECTA, TYPE II; OI, TYPE II; OSTEOGENESIS IMPERFECTA CONGENITA; VROLIK TYPE OF OSTEOGENESIS IMPERFECTA. Identifiers: Orphanet 216804, MedGen C0268358, MONDO:0008147, OMIM 166210.

Submissions (2):

Department of Maternal-Fetal Biology, National Research Institute for Child Health and Development
Classification: Pathogenic for Osteogenesis imperfecta, perinatal lethal. Last evaluated: 2022-01-01. Review status: criteria provided, single submitter. Criteria: ACMG Guidelines, 2015. Collection method: research. Allele origin: de novo. Affected: yes. Observed: 1 variant allele.

GeneDx
Classification: Likely pathogenic. Last evaluated: 2017-09-02. Review status: criteria provided, single submitter. Criteria: GeneDx Variant Classification (06012015). Collection method: clinical testing. Allele origin: germline. Affected: yes.
Comment: The C1415X variant has not been published as a pathogenic variant, nor has it been reported as a benign variant to our knowledge. This nonsense variant is predicted to cause loss of normal protein function through protein truncation. C1415X causes the last 50 amino acids of the protein to be lost. The C1415X variant is not observed in large population cohorts (Lek et al., 2016; 1000 Genomes Consortium et al., 2015; Exome Variant Server).

NM_000088.4(COL1A1):c.4245C>A (p.Cys1415Ter)

Gene: COL1A1 (collagen type I alpha 1 chain; minus strand). Cytogenetic location: 17q21.33.
Variant type: single nucleotide variant.
Coding change: c.4245C>A on transcript NM_000088.4 (MANE Select); coding-DNA position 4245, C replaced by A.
Protein change: p.Cys1415Ter; replaces cysteine 1415 with a stop codon.
Molecular consequence: nonsense.
Genome position (GRCh38, 1-based): chr17:50,185,781, G>T on the plus strand (C>A on the coding strand, the complement: COL1A1 is on the minus strand). VCF-style: chr17-50185781-G-T. GRCh37 (hg19) VCF-style: chr17-48263142-G-T.
Other names: short protein forms C1415*.
Identifiers: ClinVar variation 451877 (VCV000451877.4), dbSNP rs1555571589, ClinGen allele CA400191169.